The following is an entry in ClinVar:

NM_000257.4(MYH7):c.4475T>C (p.Leu1492Pro)

Genes: MHRT (myosin heavy chain associated RNA transcript; plus strand), MYH7 (myosin heavy chain 7; minus strand). Cytogenetic location: 14q11.2.
Variant type: single nucleotide variant.
Coding change: c.4475T>C on transcript NM_000257.4 (MANE Select); coding-DNA position 4475, T replaced by C.
Protein change: p.Leu1492Pro; replaces leucine 1492 with proline.
Molecular consequence: missense variant.
Genome position (GRCh38, 1-based): chr14:23,417,197, A>G on the plus strand (T>C on the coding strand, the complement: MYH7 is on the minus strand). VCF-style: chr14-23417197-A-G. GRCh37 (hg19) VCF-style: chr14-23886406-A-G.
Other names: short protein forms L1492P.
Identifiers: ClinVar variation 986882 (VCV000986882.9), dbSNP rs1892252730, ClinGen allele CA389038335.

ClinVar aggregate classification (germline): Conflicting classifications of pathogenicity. Review status: criteria provided, conflicting classifications (1 of 4 stars). 2 submissions from 2 submitters: Likely pathogenic (1); Uncertain significance (1). Last evaluated 2021-08-05.

Conditions:
Hypertrophic cardiomyopathy. Also called: HYPERTROPHIC MYOCARDIOPATHY. Identifiers: Orphanet 217569, MedGen C0007194, MeSH D002312, MONDO:0005045, HP:0001639.

Submissions (2):

Labcorp Genetics (formerly Invitae), Labcorp
Classification: Uncertain significance for Hypertrophic cardiomyopathy. Last evaluated: 2021-08-05. Review status: criteria provided, single submitter. Criteria: Invitae Variant Classification Sherloc (09022015). Collection method: clinical testing. Allele origin: germline.
Comment: This sequence change replaces leucine with proline at codon 1492 of the MYH7 protein (p.Leu1492Pro). The leucine residue is highly conserved and there is a moderate physicochemical difference between leucine and proline. In summary, the available evidence is currently insufficient to determine the role of this variant in disease. Therefore, it has been classified as a Variant of Uncertain Significance. Algorithms developed to predict the effect of missense changes on protein structure and function are either unavailable or do not agree on the potential impact of this missense change (SIFT: "Deleterious"; PolyPhen-2: "Probably Damaging"; Align-GVGD: "Class C0"). This variant has been observed in individual(s) with clinical features of MYH7-related conditions (PMID: 27387980). ClinVar contains an entry for this variant (Variation ID: 986882). This variant is not present in population databases (ExAC no frequency).

Institute of Medical Genetics and Applied Genomics, University Hospital Tübingen
Classification: Likely pathogenic. Last evaluated: 2020-10-23. Review status: criteria provided, single submitter. Criteria: ACMG Guidelines, 2015. Collection method: clinical testing. Allele origin: germline. Inheritance: Unknown mechanism. Affected: yes.

Literature cited by the submitters: PubMed 27387980 (cited by Labcorp Genetics (formerly Invitae), Labcorp).